The following is an entry in ClinVar:

NM_020549.5(CHAT):c.578G>A (p.Trp193Ter)

Gene: CHAT (choline O-acetyltransferase; plus strand). Cytogenetic location: 10q11.23.
Variant type: single nucleotide variant.
Coding change: c.578G>A on transcript NM_020549.5 (MANE Select); coding-DNA position 578, G replaced by A.
Protein change: p.Trp193Ter; replaces tryptophan 193 with a stop codon.
Molecular consequence: nonsense.
Genome position (GRCh38, 1-based): chr10:49,619,915, G>A. VCF-style: chr10-49619915-G-A. GRCh37 (hg19) VCF-style: chr10-50827961-G-A.
Other names: c.224G>A, p.Trp75Ter (NM_001142929.2, NM_001142934.2, NM_020984.4 and 2 more transcripts); c.332G>A, p.Trp111Ter (NM_001142933.2); short protein forms W75*, W111*, W193*.
Identifiers: ClinVar variation 4760925 (VCV004760925.1).
Genomic context (GRCh38, chr10:49,619,915, plus strand): 5'-GTGGCCTCGGCGAGACCCTGCAGCAGAAACTCCTGGAGCGGCAGGAGAAGACAGCCAACT[G>A]GGTAAGAGGGGCAGACAAGGAACCCATAGAAGAGGGGCGGGAGGCAGACCTGGAGACAGA-3'

ClinVar aggregate classification (germline): Pathogenic (1 of 4 stars; one submission).

Conditions:
Familial infantile myasthenia (CMS6). Also called: MYASTHENIC SYNDROME, PRESYNAPTIC, CONGENITAL, ASSOCIATED WITH EPISODIC APNEA; Congenital myasthenic syndrome type 6; MYASTHENIC SYNDROME, CONGENITAL, 6, PRESYNAPTIC. Identifiers: Orphanet 590, MedGen C0393929, MONDO:0009689, OMIM 254210.

gnomAD v4.1: 1 of 1,610,310 alleles (0.000062%); highest among the groups gnomAD compares: East Asian, 0.0022%; no homozygotes.

Submission:

Labcorp Genetics (formerly Invitae), Labcorp
Classification: Pathogenic for Familial infantile myasthenia. Last evaluated: 2025-11-17. Review status: criteria provided, single submitter. Criteria: Invitae Variant Classification Sherloc (09022015). Collection method: clinical testing. Allele origin: germline.
Comment: This sequence change creates a premature translational stop signal (p.Trp193*) in the CHAT gene. It is expected to result in an absent or disrupted protein product. Loss-of-function variants in CHAT are known to be pathogenic (PMID: 12548525, 21786365, 23292760). This variant is not present in population databases (gnomAD no frequency). This variant has not been reported in the literature in individuals affected with CHAT-related conditions. For these reasons, this variant has been classified as Pathogenic.

Literature cited by the submitters: PubMed 12548525; PubMed 21786365; PubMed 23292760.